The following is an entry in ClinVar:

ClinVar aggregate classification (germline): Uncertain significance. Review status: criteria provided, multiple submitters, no conflicts (2 of 4 stars). 2 submissions from 2 submitters: Uncertain significance (2). Last evaluated 2025-08-26.

Conditions:
Inborn genetic diseases. Identifiers: MedGen C0950123, MeSH D030342.
Epidermolysis bullosa simplex 5B, with muscular dystrophy (EBS5B). Also called: EPIDERMOLYSIS BULLOSA SIMPLEX AND LIMB-GIRDLE MUSCULAR DYSTROPHY; Epidermolysis bullosa simplex with muscular dystrophy. Identifiers: Orphanet 257, MedGen C2931072, MONDO:0009181, OMIM 226670.
Epidermolysis bullosa simplex, Ogna type (EBS5A). Also called: Pidermolysis bullosa simplex 5A, Ogna type; EPIDERMOLYSIS BULLOSA SIMPLEX 5A, OGNA TYPE. Identifiers: Orphanet 79401, MedGen C0432317, MONDO:0007555, OMIM 131950.
Epidermolysis bullosa simplex 5C, with pyloric atresia (EBS5C). Also called: PLEC-Related Epidermolysis Bullosa with Pyloric Atresia; Epidermolysis bullosa simplex with pyloric atresia; PLEC1-Related Epidermolysis Bullosa with Pyloric Atresia. Identifiers: Orphanet 158684, MedGen C2677349, MONDO:0012807, OMIM 612138.
Autosomal recessive limb-girdle muscular dystrophy type 2Q (LGMDR17). Also called: MUSCULAR DYSTROPHY, LIMB-GIRDLE, AUTOSOMAL RECESSIVE 17. Identifiers: Orphanet 254361, MedGen C3150989, MONDO:0013390, OMIM 613723.
Epidermolysis bullosa simplex with nail dystrophy (EBS5D). Identifiers: MedGen C4225309, MONDO:0014661, OMIM 616487.

gnomAD v4.1: 65 of 1,603,458 alleles (0.0041%); highest among the groups gnomAD compares: South Asian, 0.071%; 2 homozygotes.

Submissions (2):

Labcorp Genetics (formerly Invitae), Labcorp
Classification: Uncertain significance for Autosomal recessive limb-girdle muscular dystrophy type 2Q; Epidermolysis bullosa simplex, Ogna type; Epidermolysis bullosa simplex with nail dystrophy; Epidermolysis bullosa simplex 5C, with pyloric atresia; Epidermolysis bullosa simplex 5B, with muscular dystrophy. Last evaluated: 2025-08-26. Review status: criteria provided, single submitter. Criteria: Invitae Variant Classification Sherloc (09022015). Collection method: clinical testing. Allele origin: germline.
Comment: This sequence change replaces valine, which is neutral and non-polar, with leucine, which is neutral and non-polar, at codon 2262 of the PLEC protein (p.Val2262Leu). This variant is present in population databases (rs782255133, gnomAD 0.06%). This variant has not been reported in the literature in individuals affected with PLEC-related conditions. ClinVar contains an entry for this variant (Variation ID: 2145205). An algorithm developed to predict the effect of missense changes on protein structure and function (PolyPhen-2) suggests that this variant is likely to be tolerated. In summary, the available evidence is currently insufficient to determine the role of this variant in disease. Therefore, it has been classified as a Variant of Uncertain Significance.

Ambry Genetics
Classification: Uncertain significance for Inborn genetic diseases. Last evaluated: 2024-11-21. Review status: criteria provided, single submitter. Criteria: Ambry Variant Classification Scheme 2023. Collection method: clinical testing. Allele origin: germline.

NM_201384.3(PLEC):c.6703G>T (p.Val2235Leu)

Gene: PLEC (plectin; minus strand). Cytogenetic location: 8q24.3.
Variant type: single nucleotide variant.
Coding change: c.6703G>T on transcript NM_201384.3 (MANE Select); coding-DNA position 6703, G replaced by T.
Protein change: p.Val2235Leu; replaces valine 2235 with leucine.
Molecular consequence: missense variant.
Genome position (GRCh38, 1-based): chr8:143,923,226, C>A on the plus strand (G>T on the coding strand, the complement: PLEC is on the minus strand). VCF-style: chr8-143923226-C-A. GRCh37 (hg19) VCF-style: chr8-144997394-C-A.
Other names: c.6784G>T (NM_000445.3); c.6784G>T, p.Val2262Leu (NM_000445.5); c.6661G>T, p.Val2221Leu (NM_201378.4); c.6637G>T, p.Val2213Leu (NM_201379.3); c.7114G>T, p.Val2372Leu (NM_201380.4); c.6607G>T, p.Val2203Leu (NM_201381.3); c.6703G>T, p.Val2235Leu (NM_201382.4); c.6715G>T, p.Val2239Leu (NM_201383.3); short protein forms V2213L, V2203L, V2235L, V2239L, V2221L, V2372L, V2262L.
Identifiers: ClinVar variation 2145205 (VCV002145205.5), dbSNP rs782255133, ClinGen allele CA4925891.